The following is an entry in ClinVar:

NM_024675.4(PALB2):c.212-17A>C

Gene: PALB2 (partner and localizer of BRCA2; minus strand). Cytogenetic location: 16p12.2.
Variant type: single nucleotide variant.
Coding change: c.212-17A>C on transcript NM_024675.4 (MANE Select); 17 bases into the intron before coding-DNA position 212, A replaced by C.
Molecular consequence: intron variant.
Genome position (GRCh38, 1-based): chr16:23,636,351, T>G on the plus strand (A>C on the coding strand, the complement: PALB2 is on the minus strand). VCF-style: chr16-23636351-T-G. GRCh37 (hg19) VCF-style: chr16-23647672-T-G.
Other names: c.-674-17A>C (NM_001407308.1, NM_001407306.1, NM_001407307.1 and 5 more transcripts); c.48+4759A>C (NM_001407314.1); c.-105+4759A>C (NM_001407313.1, NM_001407312.1); c.152-17A>C (NM_001407296.1); c.212-17A>C (NM_001407297.1, NM_001407302.1, NM_001407298.1 and 3 more transcripts).
Identifiers: ClinVar variation 3903899 (VCV003903899.1).

ClinVar aggregate classification (germline): Likely benign (1 of 4 stars; one submission).

Conditions:
Familial cancer of breast. Also called: Hereditary breast cancer; hereditary breast carcinoma; BREAST CANCER, FAMILIAL. Identifiers: Orphanet 227535, MedGen C0346153, MONDO:0016419, OMIM 114480. Disease mechanism: loss of function.

gnomAD v4.1: 2 of 1,494,772 alleles (0.00013%); highest among the groups gnomAD compares: Non-Finnish European, 0.00018%; no homozygotes.

Submission:

Myriad Genetics, Inc.
Classification: Likely benign for Familial cancer of breast. Last evaluated: 2025-01-10. Review status: criteria provided, single submitter. Criteria: Myriad Autosomal Dominant, Autosomal Recessive and X-Linked Classification Criteria (2023). Collection method: clinical testing. Allele origin: unknown.
Comment: This variant is considered likely benign. This variant is intronic and is not expected to impact mRNA splicing.